The following is an entry in ClinVar:

ClinVar aggregate classification (germline): Uncertain significance (1 of 4 stars; one submission).

Submission:

GeneDx
Classification: Uncertain significance. Last evaluated: 2024-11-22. Review status: criteria provided, single submitter. Criteria: GeneDx Variant Classification Process June 2021. Collection method: clinical testing. Allele origin: germline. Affected: yes.
Comment: Not observed at significant frequency in large population cohorts (gnomAD); In silico analysis supports that this missense variant has a deleterious effect on protein structure/function; Has not been previously published as pathogenic or benign to our knowledge

NM_030632.3(ASXL3):c.3503C>T (p.Pro1168Leu)

Gene: ASXL3 (ASXL transcriptional regulator 3; plus strand). Cytogenetic location: 18q12.1.
Variant type: single nucleotide variant.
Coding change: c.3503C>T on transcript NM_030632.3 (MANE Select); coding-DNA position 3503, C replaced by T.
Protein change: p.Pro1168Leu; replaces proline 1168 with leucine.
Molecular consequence: missense variant.
Genome position (GRCh38, 1-based): chr18:33,743,351, C>T. VCF-style: chr18-33743351-C-T. GRCh37 (hg19) VCF-style: chr18-31323315-C-T.
Other names: short protein forms P1168L.
Identifiers: ClinVar variation 3900461 (VCV003900461.1).